The following is an entry in ClinVar:

ClinVar aggregate classification (germline): Uncertain significance (1 of 4 stars; one submission).

gnomAD v4.1: 1 of 1,612,798 alleles (0.000062%); highest among the groups gnomAD compares: Non-Finnish European, 0.000085%; no homozygotes.

Submission:

Women's Health and Genetics/Laboratory Corporation of America, LabCorp
Classification: Uncertain significance. Last evaluated: 2025-12-12. Review status: criteria provided, single submitter. Criteria: LabCorp Variant Classification Summary - May 2015. Collection method: clinical testing. Allele origin: germline.
Comment: Variant summary: TTN c.10360+7133T>C is located at a position not widely known to affect splicing. This variant corresponds to c.16409T>C (p.Met5470Thr) in NM_133379 and c.11312-4070T>C in NM_001267550. Consensus agreement among computation tools predict no significant impact on normal splicing. However, these predictions have yet to be confirmed by functional studies. The variant was absent in 250230 control chromosomes. The available data on variant occurrences in the general population are insufficient to allow any conclusion about variant significance. To our knowledge, no occurrence of this variant in individuals affected with TTN-related conditions and no experimental evidence demonstrating its impact on protein function have been reported. No submitters have cited clinical-significance assessments for this variant to ClinVar. Based on the evidence outlined above, the variant was classified as uncertain significance.

NM_001267550.2(TTN):c.11312-4070T>C

Gene: TTN (titin; minus strand). Cytogenetic location: 2q31.2.
Variant type: single nucleotide variant.
Coding change: c.11312-4070T>C on transcript NM_001267550.2 (MANE Select); 4070 bases into the intron before coding-DNA position 11312, T replaced by C.
Molecular consequence: intron variant. On other transcripts: missense variant (1).
Genome position (GRCh38, 1-based): chr2:178,745,991, A>G on the plus strand (T>C on the coding strand, the complement: TTN is on the minus strand). VCF-style: chr2-178745991-A-G. GRCh37 (hg19) VCF-style: chr2-179610718-A-G.
Other names: c.16409T>C, p.Met5470Thr (NM_133379.5); c.10223-4070T>C (NM_003319.4); c.10799-4070T>C (NM_133437.4); c.10598-4070T>C (NM_133432.3); c.10360+7133T>C (NM_133378.4); c.10361-4070T>C (NM_001256850.1); short protein forms M5470T.
Identifiers: ClinVar variation 3902341 (VCV003902341.2).